The following is an entry in ClinVar:

NM_001375380.1(EBF3):c.598A>C (p.Lys200Gln)

Gene: EBF3 (EBF transcription factor 3; minus strand). Cytogenetic location: 10q26.3.
Variant type: single nucleotide variant.
Coding change: c.598A>C on transcript NM_001375380.1 (MANE Select); coding-DNA position 598, A replaced by C.
Protein change: p.Lys200Gln; replaces lysine 200 with glutamine.
Molecular consequence: missense variant.
Genome position (GRCh38, 1-based): chr10:129,877,806, T>G on the plus strand (A>C on the coding strand, the complement: EBF3 is on the minus strand). VCF-style: chr10-129877806-T-G. GRCh37 (hg19) VCF-style: chr10-131676070-T-G.
Other names: c.598A>C, p.Lys200Gln (NM_001005463.3, NM_001375379.1, NM_001375389.1 and 3 more transcripts); short protein forms K200Q.
Identifiers: ClinVar variation 3897447 (VCV003897447.1).

ClinVar aggregate classification (germline): Uncertain significance (1 of 4 stars; one submission).

Submission:

GeneDx
Classification: Uncertain significance. Last evaluated: 2024-10-29. Review status: criteria provided, single submitter. Criteria: GeneDx Variant Classification Process June 2021. Collection method: clinical testing. Allele origin: germline. Affected: yes.
Comment: Not observed at significant frequency in large population cohorts (gnomAD); In silico analysis supports that this missense variant has a deleterious effect on protein structure/function; Has not been previously published as pathogenic or benign to our knowledge